The following is an entry in ClinVar:

ClinVar aggregate classification (germline): Uncertain significance (1 of 4 stars; one submission).

Conditions:
Neuronal ceroid lipofuscinosis. Also called: Neuronal Ceroid Lipofuscinoses. Identifiers: Orphanet 216, Orphanet 79263, MedGen C0027877, MONDO:0016295. Disease mechanism: loss of function.

Submission:

Labcorp Genetics (formerly Invitae), Labcorp
Classification: Uncertain significance for Neuronal ceroid lipofuscinosis. Last evaluated: 2022-06-28. Review status: criteria provided, single submitter. Criteria: Invitae Variant Classification Sherloc (09022015). Collection method: clinical testing. Allele origin: germline.
Comment: In summary, the available evidence is currently insufficient to determine the role of this variant in disease. Therefore, it has been classified as a Variant of Uncertain Significance. Experimental studies and prediction algorithms are not available or were not evaluated, and the functional significance of this variant is currently unknown. This variant has not been reported in the literature in individuals affected with CTSD-related conditions. This variant is not present in population databases (gnomAD no frequency). This variant, c.689_691del, results in the deletion of 1 amino acid(s) of the CTSD protein (p.Ser230del), but otherwise preserves the integrity of the reading frame.

NM_001909.5(CTSD):c.689_691del (p.Ser230del)

Gene: CTSD (cathepsin D; minus strand). Cytogenetic location: 11p15.5.
Variant type: Deletion.
Coding change: c.689_691del on transcript NM_001909.5 (MANE Select); coding-DNA positions 689 to 691, 3 bases deleted (CCT; older notation c.689_691delCCT).
Protein change: p.Ser230del; deletes serine 230.
Molecular consequence: inframe deletion.
Genome position (GRCh38, 1-based): chr11:1,757,337-1,757,339, AGG deleted on the plus strand (CCT on the coding strand, the reverse complement: CTSD is on the minus strand); deleting any 3 consecutive bases within chr11:1,757,337-1,757,341 gives the same sequence; the c. name uses the placement nearest the transcript's 3' end. VCF-style (leftmost placement, unchanged base first): chr11-1757336-AAGG-A. GRCh37 (hg19) VCF-style: chr11-1778566-AAGG-A.
Other names: short protein forms S230del.
Identifiers: ClinVar variation 1898038 (VCV001898038.3), dbSNP rs2493823409, ClinGen allele CA2580082686.